The following is an entry in ClinVar:

ClinVar aggregate classification (germline): Uncertain significance. Review status: criteria provided, multiple submitters, no conflicts (2 of 4 stars). 2 submissions from 2 submitters: Uncertain significance (2). Last evaluated 2025-02-21.

Conditions:
Hereditary breast ovarian cancer syndrome. Also called: Hereditary breast and ovarian cancer; Hereditary breast and/or ovarian cancer syndrome; Hereditary breast and ovarian cancer syndrome; Hereditary breast and ovarian cancer syndrome (HBOC); Breast and ovarian cancer; BRCA1- and BRCA2-Associated Hereditary Breast and Ovarian Cancer. Identifiers: Orphanet 145, MedGen C0677776, MeSH D061325, MONDO:0003582. Disease mechanism: loss of function.
Hereditary cancer-predisposing syndrome. Also called: Hereditary neoplastic syndrome; Tumor predisposition; Neoplastic Syndromes, Hereditary; Hereditary Cancer Syndrome. Identifiers: Orphanet 140162, MedGen C0027672, MeSH D009386, MONDO:0015356.

Allele frequency attached by ClinVar (database versions not stated): TOPMed 0.00001.

Submissions (2):

Ambry Genetics
Classification: Uncertain significance for Hereditary cancer-predisposing syndrome. Last evaluated: 2025-02-21. Review status: criteria provided, single submitter. Criteria: Ambry Variant Classification Scheme 2023. Collection method: clinical testing. Allele origin: germline.
Comment: The p.G1763E variant (also known as c.5288G>A), located in coding exon 19 of the BRCA1 gene, results from a G to A substitution at nucleotide position 5288. The glycine at codon 1763 is replaced by glutamic acid, an amino acid with similar properties. This amino acid position is well conserved in available vertebrate species. In addition, this alteration is predicted to be deleterious by in silico analysis. Based on the available evidence, the clinical significance of this variant remains unclear.

Labcorp Genetics (formerly Invitae), Labcorp
Classification: Uncertain significance for Hereditary breast ovarian cancer syndrome. Last evaluated: 2019-08-11. Review status: criteria provided, single submitter. Criteria: Invitae Variant Classification Sherloc (09022015). Collection method: clinical testing. Allele origin: germline.
Comment: In summary, the available evidence is currently insufficient to determine the role of this variant in disease. Therefore, it has been classified as a Variant of Uncertain Significance. Algorithms developed to predict the effect of missense changes on protein structure and function are either unavailable or do not agree on the potential impact of this missense change (SIFT: "Tolerated"; PolyPhen-2: "Possibly Damaging"; Align-GVGD: "Class C0"). This variant has been reported in individuals in the Leiden Open-source Variation Database (PMID: 21520333). This variant is not present in population databases (ExAC no frequency). This sequence change replaces glycine with glutamic acid at codon 1763 of the BRCA1 protein (p.Gly1763Glu). The glycine residue is moderately conserved and there is a moderate physicochemical difference between glycine and glutamic acid.

Literature cited by the submitters: PubMed 21520333 (cited by Labcorp Genetics (formerly Invitae), Labcorp).

NM_007294.4(BRCA1):c.5288G>A (p.Gly1763Glu)

Gene: BRCA1 (BRCA1 DNA repair associated; minus strand). Cytogenetic location: 17q21.31.
Variant type: single nucleotide variant.
Coding change: c.5288G>A on transcript NM_007294.4 (MANE Select); coding-DNA position 5288, G replaced by A.
Protein change: p.Gly1763Glu; replaces glycine 1763 with glutamic acid.
Molecular consequence: missense variant. On other transcripts: non-coding transcript variant (1).
Genome position (GRCh38, 1-based): chr17:43,051,107, C>T on the plus strand (G>A on the coding strand, the complement: BRCA1 is on the minus strand). VCF-style: chr17-43051107-C-T. GRCh37 (hg19) VCF-style: chr17-41203124-C-T.
Other names: c.5075G>A, p.Gly1692Glu (NM_001407571.1, NM_001407894.1, NM_001407895.1 and 12 more transcripts); c.5354G>A, p.Gly1785Glu (NM_001407581.1, NM_001407582.1); c.5351G>A, p.Gly1784Glu (NM_001407583.1, NM_001407585.1, NM_001407587.1 and 1 more transcripts); c.5348G>A, p.Gly1783Glu (NM_001407590.1, NM_001407591.1); c.5288G>A, p.Gly1763Glu (NM_001407593.1, NM_001407594.1, NM_001407596.1 and 6 more transcripts); c.5285G>A, p.Gly1762Glu (NM_001407610.1, NM_001407611.1, NM_001407612.1 and 17 more transcripts); c.5282G>A, p.Gly1761Glu (NM_001407627.1, NM_001407628.1, NM_001407629.1 and 14 more transcripts); c.5279G>A, p.Gly1760Glu (NM_001407644.1, NM_001407645.1); and 72 more; short protein forms G1716E, G659E, G1763E, G1784E, G1466E, G1636E, G1652E, G1674E.
Identifiers: ClinVar variation 955912 (VCV000955912.12), dbSNP rs80357007, ClinGen allele CA10590969.